The following is an entry in ClinVar:

NM_000128.4(F11):c.1432G>A (p.Gly478Arg)

Gene: F11 (coagulation factor XI; plus strand). Cytogenetic location: 4q35.2.
Variant type: single nucleotide variant.
Coding change: c.1432G>A on transcript NM_000128.4 (MANE Select); coding-DNA position 1432, G replaced by A.
Protein change: p.Gly478Arg; replaces glycine 478 with arginine.
Molecular consequence: missense variant.
Genome position (GRCh38, 1-based): chr4:186,285,765, G>A. VCF-style: chr4-186285765-G-A. GRCh37 (hg19) VCF-style: chr4-187206919-G-A.
Other names: short protein forms G478R.
Identifiers: ClinVar variation 285379 (VCV000285379.33), dbSNP rs542967227, ClinGen allele CA3163979.

ClinVar aggregate classification (germline): Pathogenic/Likely pathogenic. Review status: criteria provided, multiple submitters, no conflicts (2 of 4 stars). 15 submissions from 15 submitters: Pathogenic (7); Likely pathogenic (6). 2 of the submissions do not count toward it. Last evaluated 2026-04-16.

Conditions:
Plasma factor XI deficiency.
Hereditary factor XI deficiency disease. Also called: Congenital factor XI deficiency; PLASMA THROMBOPLASTIN ANTECEDENT DEFICIENCY; PTA DEFICIENCY; ROSENTHAL SYNDROME. Identifiers: Orphanet 329, MedGen C0015523, MeSH D005173, MONDO:0012897, OMIM 612416.
F11-related disorder. Also called: F11-related condition.

Allele frequency attached by ClinVar (database versions not stated): gnomAD 0.00005 and 0.00001; gnomAD exomes 0.00005 and 0.00010; ExAC 0.00012; 1000 Genomes Project 30x 0.00062; 1000 Genomes Project 0.00080; TOPMed 0.00001.
gnomAD v4.1: 88 of 1,614,162 alleles (0.0055%); highest among the groups gnomAD compares: South Asian, 0.078%; no homozygotes.

Submissions (15):

PreventionGenetics, part of Exact Sciences
Classification: Likely pathogenic for F11-related condition. Last evaluated: 2026-04-16. Review status: criteria provided, single submitter. Criteria: ACMG Guidelines, 2015. Collection method: clinical testing. Allele origin: germline.
Comment: The F11 c.1432G>A variant is predicted to result in the amino acid substitution p.Gly478Arg. This variant was reported in individuals with Factor XI deficiency with variable clinical severity (Mitchell et al. 2003. PubMed ID: 12716376, reported as Gly460Arg using legacy nomenclature; Saunders et al. 2009. PubMed ID: 19652879; Pike et al. 2016. PubMed ID: 26558335). This variant is reported in 0.069% of alleles in individuals of South Asian descent in gnomAD. In the ClinVar database, this variant is listed as 'likely pathogenic' or 'pathogenic' by outside laboratories. Taken together, this variant is interpreted as likely pathogenic.

Natera, Inc.
Classification: Pathogenic for Plasma factor XI deficiency. Last evaluated: 2025-12-19. Review status: criteria provided, single submitter. Criteria: Natera Variant Classification Schema (03/2026). Collection method: clinical testing. Allele origin: germline.
Comment: The c.1432G>A variant in F11 is a missense variant predicted to cause substitution of glycine to arginine at amino acid 478. This variant is rare in the general population with a frequency below the threshold expected for the associated phenotype(s). This variant has been observed in one or more individuals affected with the associated recessive disease, as either homozygous or compound heterozygous with a second variant (PMID: 26558335, 27710856, 19652879). This variant has been observed in affected individual(s) with monoallelic occurrence (heterozygous/hemizygous) (PMID: 16079124, 12716376, 19652879). Additionally, this variant has been observed to segregate in affected family members (PMID: 16079124). Computational prediction algorithms indicate this variant is likely to affect gene or protein function. Given the available evidence, this variant is classified as Pathogenic.

GeneDx
Classification: Likely pathogenic. Last evaluated: 2025-11-06. Review status: criteria provided, single submitter. Criteria: GeneDx Variant Classification Process June 2021. Collection method: clinical testing. Allele origin: germline.
Comment: In silico analysis supports that this missense variant has a deleterious effect on protein structure/function; In silico analysis supports a deleterious effect on splicing; Also known as Gly460Arg; This variant is associated with the following publications: (PMID: 33502066, 37647632, 15842381, 16079124, 16835901, 12716376, 26558335, 19652879, 38958145, 27710856, 25275492, 31064749, 39918900)

Labcorp Genetics (formerly Invitae), Labcorp
Classification: Pathogenic. Last evaluated: 2025-10-19. Review status: criteria provided, single submitter. Criteria: Invitae Variant Classification Sherloc (09022015). Collection method: clinical testing. Allele origin: germline.
Comment: This sequence change replaces glycine, which is neutral and non-polar, with arginine, which is basic and polar, at codon 478 of the F11 protein (p.Gly478Arg). This variant is present in population databases (rs542967227, gnomAD 0.07%). This missense change has been observed in individuals with autosomal recessive factor XI (FXI) deficiency and/or factor XI (FXI) deficiency (PMID: 15842381, 16079124, 16835901, 19652879, 26558335). It has also been observed to segregate with disease in related individuals. This variant is also known as Gly460Arg. ClinVar contains an entry for this variant (Variation ID: 285379). Invitae Evidence Modeling of protein sequence and biophysical properties (such as structural, functional, and spatial information, amino acid conservation, physicochemical variation, residue mobility, and thermodynamic stability) has been performed for this missense variant. However, the output from this modeling did not meet the statistical confidence thresholds required to predict the impact of this variant on F11 protein function. Algorithms developed to predict the effect of sequence changes on RNA splicing suggest that this variant may disrupt the consensus splice site. For these reasons, this variant has been classified as Pathogenic.

First Genomix Gene Laboratory, Genetic Diagnostics Department
Classification: Likely pathogenic for Hereditary factor XI deficiency disease. Last evaluated: 2025-08-04. Review status: criteria provided, single submitter. Criteria: ACMG Guidelines, 2015. Collection method: clinical testing. Allele origin: germline. Inheritance: Autosomal recessive inheritance. Affected: no. Observed: 1 variant allele.

Victorian Clinical Genetics Services, Murdoch Childrens Research Institute
Classification: Pathogenic for Hereditary factor XI deficiency disease. Last evaluated: 2024-10-04. Review status: criteria provided, single submitter. Criteria: ACMG Guidelines, 2015. Collection method: clinical testing. Allele origin: germline. Affected: yes.
Comment: This variant is classified as Pathogenic. Evidence in support of pathogenic classification: Variant is present in gnomAD <0.01 (v2: 26 heterozygotes, 0 homozygote); This variant has strong previous evidence of pathogenicity in unrelated individuals. Also known as Gly460Arg, this variant has been reported multiple times pathogenic in ClinVar, and in the literature in individuals with factor XI deficiency including at least one heterozygous individual (PMID: 15842381, 27710856, 16835901, 16079124); Missense variant consistently predicted to be damaging by multiple in silico tools or highly conserved with a major amino acid change. Additional information: Variant is predicted to result in a missense amino acid change from glycine to arginine; This variant is homozygous; This gene is associated with both recessive and dominant disease. Recessive cases are more severe than cases involving heterozygous carriers, who may be asymptomatic despite having FXI deficiency (PMID:18446632); Variant is located in the annotated Trypsin domain (DECIPHER); Dominant negative and loss of function are known mechanisms of disease in this gene and are associated with factor XI deficiency. Dominant negative missense variants tend to have dominant inheritance patterns (PMID: 15026311), while loss of function variants are generally recessive, though symptomatic carriers have been reported (OMIM); Variants in this gene are known to have variable expressivity. There is a high degree of variable expression. Intrafamilial variation has been reported (PMID: 32118380).

Genomic Medicine Center of Excellence, King Faisal Specialist Hospital and Research Centre
Classification: Pathogenic for Hereditary factor XI deficiency disease. Last evaluated: 2024-04-04. Review status: criteria provided, single submitter. Criteria: ACMG Guidelines, 2015. Collection method: clinical testing. Allele origin: germline.

Revvity Omics, Revvity
Classification: Likely pathogenic for Hereditary factor XI deficiency disease. Last evaluated: 2023-08-09. Review status: criteria provided, single submitter. Criteria: ACMG Guidelines, 2015. Collection method: clinical testing. Allele origin: germline.

Neuberg Centre For Genomic Medicine, NCGM
Classification: Likely pathogenic for Hereditary factor XI deficiency disease. Last evaluated: 2023-02-14. Review status: criteria provided, single submitter. Criteria: ACMG Guidelines, 2015. Collection method: clinical testing. Allele origin: germline. Inheritance: Autosomal dominant inheritance. Affected: yes.
Comment: The missense c.1432G>A (p.Gly478Arg) variant in the F11 gene has been observed in individuals with factor XI (FXI) deficiency (Mitchell, Michael et al.,2006). It has also been observed to segregate with disease in related individuals. This variant is reported with the allele frequency (0.01%) in the gnomAD Exomes and novel in 1000. It is submitted to ClinVar as Pathogenic/Likely Pathogenic. The amino acid Glycine at position 478 is changed to a Arginine changing protein sequence and it might alter its composition and physico-chemical properties. The amino acid change p.Gly478Arg in F11 is predicted as conserved by GERP++ and PhyloP across 100 vertebrates. For these reasons, this variant has been classified as Likely Pathogenic.

Laboratory for Molecular Medicine, Mass General Brigham Personalized Medicine
Classification: Pathogenic for Hereditary factor XI deficiency disease. Last evaluated: 2022-11-03. Review status: criteria provided, single submitter. Criteria: ACMG Guidelines, 2015. Collection method: clinical testing. Allele origin: germline.
Comment: The p.Gly478Arg ( historically referred to as Gly460Arg) variant in F11 has been reported in at least 5 homozygous, 2 compound heterozygous, and 2 heterozygous individuals with Hereditary factor XI deficiency disease. Majority of these individuals were noted to have reduced FXI:C and/or FXI:Ag levels (Mitchell 2003 PubMed: 12716376; Saunders 2009 PubMed: 19652879; Downes 2019 PubMed: 31064749; Jayandharan 2005 PMID: 15842381; Mitchell 2006 PMID: 16835901; Pike 2016 PMID: 26558335). It was also observed in ClinVar (Variation ID 285379) and in 0.14% (7/4828) of South Asian gnomAD. Computational prediction tools and conservation analysis suggest that this variant may impact the protein, though this information is not predictive enough to determine pathogenicity. In summary, this variant meets criteria to be classified as pathogenic for autosomal recessive Hereditary factor XI deficiency disease; although, some heterozygotes may present with features. ACMG/AMP Criteria applied: PM3_VeryStrong, PP3, PP4.

Fulgent Genetics
Classification: Likely pathogenic for Hereditary factor XI deficiency disease. Last evaluated: 2021-08-06. Review status: criteria provided, single submitter. Criteria: ACMG Guidelines, 2015. Collection method: clinical testing. Allele origin: unknown.

NIHR Bioresource Rare Diseases, University of Cambridge
Classification: Pathogenic for Hereditary factor XI deficiency disease. Last evaluated: 2019-02-01. Review status: criteria provided, single submitter. Criteria: ACMG Guidelines, 2015. Collection method: research. Allele origin: unknown. Affected: yes. Observed: 1 compound heterozygote, 1 homozygote. Study: ThromboGenomics.

Eurofins Ntd Llc (ga)
Classification: Pathogenic. Last evaluated: 2015-12-22. Review status: criteria provided, single submitter. Criteria: EGL Classification Definitions 2015. Collection method: clinical testing. Allele origin: germline. Observed: 1 variant allele, 1 heterozygote.

Counsyl
Classification: Likely pathogenic for Hereditary factor XI deficiency disease. Last evaluated: 2014-01-02. Review status: no assertion criteria provided. Collection method: clinical testing. Allele origin: unknown. Not counted in ClinVar's aggregate classification.

ISTH-SSC Genomics in Thrombosis and Hemostasis, KU Leuven, Center for Molecular and Vascular Biology
Classification: Likely pathogenic for Hereditary factor XI deficiency disease. Review status: no assertion criteria provided. Collection method: research. Allele origin: unknown. Affected: yes. Not counted in ClinVar's aggregate classification.
Comment: Submitted to GoldVariant by Dr Karyn Mégy from NIHR Bioresource - Cambridge University, UK

Literature cited by the submitters: PubMed 26558335 (cited by Natera, Inc. and Labcorp Genetics (formerly Invitae), Labcorp); PubMed 27710856 (cited by Natera, Inc. and Victorian Clinical Genetics Services, Murdoch Childrens Research Institute); PubMed 19652879 (cited by 3 submitters); PubMed 16079124 (cited by 4 submitters); PubMed 12716376 (cited by Natera, Inc. and Counsyl); PubMed 15842381 (cited by 3 submitters); PubMed 16835901 (cited by 3 submitters); PubMed 32118380 (cited by Victorian Clinical Genetics Services, Murdoch Childrens Research Institute); PubMed 15026311 (cited by Victorian Clinical Genetics Services, Murdoch Childrens Research Institute); PubMed 18446632 (cited by Victorian Clinical Genetics Services, Murdoch Childrens Research Institute); PubMed 31064749 (cited by NIHR Bioresource Rare Diseases, University of Cambridge).